The following is an entry in ClinVar:

ClinVar aggregate classification (germline): Pathogenic/Likely pathogenic. Review status: criteria provided, multiple submitters, no conflicts (2 of 4 stars). 4 submissions from 4 submitters: Pathogenic (1); Likely pathogenic (2). 1 of the submissions does not count toward it. Last evaluated 2023-06-04.

Conditions:
Hereditary cancer-predisposing syndrome. Also called: Hereditary Cancer Syndrome; Hereditary neoplastic syndrome; Neoplastic Syndromes, Hereditary; Tumor predisposition. Identifiers: Orphanet 140162, MedGen C0027672, MeSH D009386, MONDO:0015356.
Familial adenomatous polyposis 1 (FAP1). Also called: FAMILIAL ADENOMATOUS POLYPOSIS 1, ATTENUATED; POLYPOSIS, ADENOMATOUS INTESTINAL. Identifiers: MedGen C2713442, MONDO:0021056, OMIM 175100. Disease mechanism: loss of function.

Submissions (4):

Labcorp Genetics (formerly Invitae), Labcorp
Classification: Pathogenic for Familial adenomatous polyposis 1. Last evaluated: 2023-06-04. Review status: criteria provided, single submitter. Criteria: Invitae Variant Classification Sherloc (09022015). Collection method: clinical testing. Allele origin: germline.
Comment: For these reasons, this variant has been classified as Pathogenic. Studies have shown that disruption of this splice site results in activation of a cryptic splice site and introduces a premature termination codon (Invitae). The resulting mRNA is expected to undergo nonsense-mediated decay. ClinVar contains an entry for this variant (Variation ID: 217947). Disruption of this splice site has been observed in individual(s) with clinical features of familial adenomatous polyposis (PMID: 20682701). This variant is not present in population databases (gnomAD no frequency). This sequence change affects an acceptor splice site in intron 3 of the APC gene. RNA analysis indicates that disruption of this splice site induces altered splicing and may result in an absent or disrupted protein product.

Myriad Genetics, Inc.
Classification: Likely pathogenic for Familial adenomatous polyposis 1. Last evaluated: 2023-04-25. Review status: criteria provided, single submitter. Criteria: Myriad Autosomal Dominant, Autosomal Recessive and X-Linked Classification Criteria (2023). Collection method: clinical testing. Allele origin: unknown.
Comment: This variant is considered likely pathogenic. This variant occurs within a consensus splice junction and is predicted to result in abnormal mRNA splicing of either an out-of-frame exon or an in-frame exon necessary for protein stability and/or normal function.

Ambry Genetics
Classification: Likely pathogenic for Hereditary cancer-predisposing syndrome. Last evaluated: 2021-01-25. Review status: criteria provided, single submitter. Criteria: Ambry Variant Classification Scheme 2023. Collection method: clinical testing. Allele origin: germline.
Comment: The c.221-1G>A intronic variant results from a G to A substitution one nucleotide upstream from coding exon 3 of the APC gene. This alteration has been identified in individuals with colorectal cancer and polyposis (Woods MO et al. Gut, 2010 Oct;59:1369-77). This nucleotide position is highly conserved in available vertebrate species. In silico splice site analysis predicts that this alteration will weaken the native splice acceptor site and will result in the creation or strengthening of a novel splice acceptor site. Alterations that disrupt the canonical splice site are expected to cause aberrant splicing, resulting in an abnormal protein or a transcript that is subject to nonsense-mediated mRNA decay. As such, this alteration is classified as likely pathogenic.

Mayo Clinic Laboratories, Mayo Clinic
Classification: Pathogenic. Review status: no assertion criteria provided. Collection method: research. Allele origin: unknown. Observed: 1 variant allele. Not counted in ClinVar's aggregate classification.

Literature cited by the submitters: PubMed 20682701 (cited by Labcorp Genetics (formerly Invitae), Labcorp and Ambry Genetics).

NM_000038.6(APC):c.221-1G>A

Gene: APC (APC regulator of Wnt signaling pathway; plus strand). Cytogenetic location: 5q22.2.
Variant type: single nucleotide variant.
Coding change: c.221-1G>A on transcript NM_000038.6 (MANE Select); the canonical splice acceptor site of the intron before coding-DNA position 221, G replaced by A.
Molecular consequence: splice acceptor variant.
Genome position (GRCh38, 1-based): chr5:112,767,188, G>A. VCF-style: chr5-112767188-G-A. GRCh37 (hg19) VCF-style: chr5-112102885-G-A.
Other names: c.-815-1G>A (NM_001407470.1, NM_001407472.1, NM_001354906.2 and 1 more transcripts); c.221-1G>A (NM_001407447.1, NM_001354895.2, NM_001407456.1 and 16 more transcripts); c.251-1G>A (NM_001407446.1, NM_001354897.2, NM_001354902.2 and 1 more transcripts); c.44-1G>A (NM_001407453.1, NM_001354900.2, NM_001354901.2 and 1 more transcripts); c.146-1G>A (NM_001407451.1, NM_001354898.2, NM_001354904.2).
Identifiers: ClinVar variation 217947 (VCV000217947.21), dbSNP rs863225327, ClinGen allele CA279668.